The following is an entry in ClinVar:

NM_002439.5(MSH3):c.2207_2208del (p.Ile736fs)

Gene: MSH3 (mutS homolog 3; plus strand). Cytogenetic location: 5q14.1.
Variant type: Deletion.
Coding change: c.2207_2208del on transcript NM_002439.5 (MANE Select); coding-DNA positions 2207 to 2208, 2 bases deleted (TA; older notation c.2207_2208delTA).
Protein change: p.Ile736fs; shifts the reading frame from isoleucine 736.
Molecular consequence: frameshift variant.
Genome position (GRCh38, 1-based): chr5:80,768,957-80,768,958, TA deleted; deleting any 2 consecutive bases within chr5:80,768,956-80,768,958 gives the same sequence; the c. name uses the placement nearest the transcript's 3' end. VCF-style (leftmost placement, unchanged base first): chr5-80768955-AAT-A. GRCh37 (hg19) VCF-style: chr5-80064774-AAT-A.
Other names: short protein forms I736fs.
Identifiers: ClinVar variation 1069648 (VCV001069648.10), dbSNP rs2112885246, ClinGen allele CA2499217954.

ClinVar aggregate classification (germline): Pathogenic. Review status: criteria provided, multiple submitters, no conflicts (2 of 4 stars). 2 submissions from 2 submitters: Pathogenic (2). Last evaluated 2025-03-30.

Conditions:
Hereditary cancer-predisposing syndrome. Also called: Hereditary neoplastic syndrome; Tumor predisposition; Hereditary Cancer Syndrome; Neoplastic Syndromes, Hereditary. Identifiers: Orphanet 140162, MedGen C0027672, MeSH D009386, MONDO:0015356.

Submissions (2):

Labcorp Genetics (formerly Invitae), Labcorp
Classification: Pathogenic. Last evaluated: 2025-03-30. Review status: criteria provided, single submitter. Criteria: Invitae Variant Classification Sherloc (09022015). Collection method: clinical testing. Allele origin: germline.
Comment: This sequence change creates a premature translational stop signal (p.Ile736Thrfs*31) in the MSH3 gene. It is expected to result in an absent or disrupted protein product. Loss-of-function variants in MSH3 are known to be pathogenic (PMID: 27476653, 37402566). This variant is not present in population databases (gnomAD no frequency). This variant has not been reported in the literature in individuals affected with MSH3-related conditions. ClinVar contains an entry for this variant (Variation ID: 1069648). For these reasons, this variant has been classified as Pathogenic.

Ambry Genetics
Classification: Pathogenic for Hereditary cancer-predisposing syndrome. Last evaluated: 2024-09-11. Review status: criteria provided, single submitter. Criteria: Ambry Variant Classification Scheme 2023. Collection method: clinical testing. Allele origin: germline.
Comment: The c.2207_2208delTA variant, located in coding exon 15 of the MSH3 gene, results from a deletion of two nucleotides at nucleotide positions 2207 to 2208, causing a translational frameshift with a predicted alternate stop codon (p.I736Tfs*31). This variant is considered to be rare based on population cohorts in the Genome Aggregation Database (gnomAD). This alteration is expected to result in loss of function by premature protein truncation or nonsense-mediated mRNA decay. As such, this alteration is interpreted as a disease-causing mutation.

Literature cited by the submitters: PubMed 27476653 (cited by Labcorp Genetics (formerly Invitae), Labcorp); PubMed 37402566 (cited by Labcorp Genetics (formerly Invitae), Labcorp).